The following is an entry in ClinVar:

ClinVar aggregate classification (germline): Uncertain significance (1 of 4 stars; one submission).

Conditions:
Cardiovascular phenotype. Identifiers: MedGen CN230736.

Allele frequency attached by ClinVar (database versions not stated): gnomAD exomes below 0.00001.

Submission:

Ambry Genetics
Classification: Uncertain significance for Cardiovascular phenotype. Last evaluated: 2019-12-30. Review status: criteria provided, single submitter. Criteria: Ambry Variant Classification Scheme 2023. Collection method: clinical testing. Allele origin: germline.
Comment: The p.G22964R variant (also known as c.68890G>A), located in coding exon 173 of the TTN gene, results from a G to A substitution at nucleotide position 68890. The glycine at codon 22964 is replaced by arginine, an amino acid with dissimilar properties. This amino acid position is highly conserved in available vertebrate species. In addition, the in silico prediction for this alteration is inconclusive. Since supporting evidence is limited at this time, the clinical significance of this alteration remains unclear.

NM_001267550.2(TTN):c.96085G>A (p.Gly32029Arg)

Genes: TTN (titin; minus strand), TTN-AS1 (TTN antisense RNA 1; plus strand), LOC126806421 (CDK7 strongly-dependent group 2 enhancer GRCh37_chr2:179407630-179408829; plus strand). Cytogenetic location: 2q31.2.
Variant type: single nucleotide variant.
Coding change: c.96085G>A on transcript NM_001267550.2 (MANE Select); coding-DNA position 96085, G replaced by A.
Protein change: p.Gly32029Arg; replaces glycine 32029 with arginine.
Molecular consequence: missense variant.
Genome position (GRCh38, 1-based): chr2:178,544,059, C>T on the plus strand (G>A on the coding strand, the complement: TTN is on the minus strand). VCF-style: chr2-178544059-C-T. GRCh37 (hg19) VCF-style: chr2-179408786-C-T.
Other names: c.91162G>A, p.Gly30388Arg (NM_001256850.1); c.68890G>A, p.Gly22964Arg (NM_003319.4); c.88381G>A, p.Gly29461Arg (NM_133378.4); c.69265G>A, p.Gly23089Arg (NM_133432.3); c.69466G>A, p.Gly23156Arg (NM_133437.4); short protein forms G22964R, G29461R, G30388R, G23156R, G32029R, G23089R.
Identifiers: ClinVar variation 1755973 (VCV001755973.2), dbSNP rs897097275, ClinGen allele CA60970410.